The following is an entry in ClinVar:

ClinVar aggregate classification (germline): Uncertain significance. Review status: criteria provided, multiple submitters, no conflicts (2 of 4 stars). 2 submissions from 2 submitters: Uncertain significance (2). Last evaluated 2024-10-08.

Conditions:
Orofaciodigital syndrome type 6 (OFD6). Also called: OROFACIODIGITAL SYNDROME VI; OFDS VI; POLYDACTYLY, CLEFT LIP/PALATE OR LINGUAL LUMP, AND PSYCHOMOTOR RETARDATION; VARADI SYNDROME; VARADI-PAPP SYNDROME; Oral-facial-digital syndrome type 6. Identifiers: Orphanet 2754, MedGen C2745997, MONDO:0010176, OMIM 277170.
Joubert syndrome 17 (JBTS17). Identifiers: Orphanet 475, MedGen C3553264, MONDO:0013824, OMIM 614615.

Allele frequency attached by ClinVar (database versions not stated): gnomAD exomes below 0.00001 and 0.00002; gnomAD 0.00001; TOPMed 0.00004.
gnomAD v4.1: 41 of 1,611,836 alleles (0.0025%); highest among the groups gnomAD compares: East Asian, 0.013%; 1 homozygote.

Submissions (2):

Labcorp Genetics (formerly Invitae), Labcorp
Classification: Uncertain significance. Last evaluated: 2024-10-08. Review status: criteria provided, single submitter. Criteria: Invitae Variant Classification Sherloc (09022015). Collection method: clinical testing. Allele origin: germline.
Comment: This sequence change replaces serine, which is neutral and polar, with arginine, which is basic and polar, at codon 1487 of the CPLANE1 protein (p.Ser1487Arg). This variant is present in population databases (no rsID available, gnomAD 0.01%). This variant has not been reported in the literature in individuals affected with CPLANE1-related conditions. ClinVar contains an entry for this variant (Variation ID: 1004296). Invitae Evidence Modeling of protein sequence and biophysical properties (such as structural, functional, and spatial information, amino acid conservation, physicochemical variation, residue mobility, and thermodynamic stability) indicates that this missense variant is not expected to disrupt CPLANE1 protein function with a negative predictive value of 95%. In summary, the available evidence is currently insufficient to determine the role of this variant in disease. Therefore, it has been classified as a Variant of Uncertain Significance.

Fulgent Genetics
Classification: Uncertain significance for Orofaciodigital syndrome type 6; Joubert syndrome 17. Last evaluated: 2024-05-16. Review status: criteria provided, single submitter. Criteria: ACMG Guidelines, 2015. Collection method: clinical testing. Allele origin: germline.

NM_001384732.1(CPLANE1):c.4461T>G (p.Ser1487Arg)

Genes: CPLANE1 (ciliogenesis and planar polarity effector complex subunit 1; minus strand), LOC129389274 (MPRA-validated peak5227 silencer; plus strand). Cytogenetic location: 5p13.2.
Variant type: single nucleotide variant.
Coding change: c.4461T>G on transcript NM_001384732.1 (MANE Select); coding-DNA position 4461, T replaced by G.
Protein change: p.Ser1487Arg; replaces serine 1487 with arginine.
Molecular consequence: missense variant.
Genome position (GRCh38, 1-based): chr5:37,184,808, A>C on the plus strand (T>G on the coding strand, the complement: CPLANE1 is on the minus strand). VCF-style: chr5-37184808-A-C. GRCh37 (hg19) VCF-style: chr5-37184910-A-C.
Other names: c.4461T>G (NM_023073.3); c.4461T>G, p.Ser1487Arg (NM_023073.4); short protein forms S1487R.
Identifiers: ClinVar variation 1004296 (VCV001004296.8), dbSNP rs1023003480, ClinGen allele CA117069846.